The following is an entry in ClinVar:

NM_031885.5(BBS2):c.1780C>T (p.Arg594Ter)

Gene: BBS2 (Bardet-Biedl syndrome 2; minus strand). Cytogenetic location: 16q13.
Variant type: single nucleotide variant.
Coding change: c.1780C>T on transcript NM_031885.5 (MANE Select); coding-DNA position 1780, C replaced by T.
Protein change: p.Arg594Ter; replaces arginine 594 with a stop codon.
Molecular consequence: nonsense. On other transcripts: non-coding transcript variant (5).
Genome position (GRCh38, 1-based): chr16:56,497,760, G>A on the plus strand (C>T on the coding strand, the complement: BBS2 is on the minus strand). VCF-style: chr16-56497760-G-A. GRCh37 (hg19) VCF-style: chr16-56531672-G-A.
Other names: c.1780C>T, p.Arg594Ter (NM_001377456.1); short protein forms R594*.
Identifiers: ClinVar variation 550489 (VCV000550489.20), dbSNP rs762047808, ClinGen allele CA8065629.

ClinVar aggregate classification (germline): Pathogenic. Review status: criteria provided, multiple submitters, no conflicts (2 of 4 stars). 9 submissions from 9 submitters: Pathogenic (6). 3 of the submissions do not count toward it. Last evaluated 2026-01-05.

Conditions:
Bardet-Biedl syndrome 2 (BBS2). Identifiers: Orphanet 110, MedGen C2936863, MONDO:0014432, OMIM 615981.
Retinitis pigmentosa 74 (RP74). Identifiers: Orphanet 791, MedGen C4225281, MONDO:0014692, OMIM 616562.
Bardet-Biedl syndrome (BBS). Identifiers: Orphanet 110, MedGen C0752166, MONDO:0015229.
BBS2-related disorder. Also called: BBS2-related disorders; BBS2-related condition. Identifiers: MedGen CN239228.

Allele frequency attached by ClinVar (database versions not stated): ExAC 0.00001; gnomAD exomes 0.00001; gnomAD 0.00002; TOPMed 0.00003.
gnomAD v4.1: 29 of 1,613,124 alleles (0.0018%); highest among the groups gnomAD compares: Non-Finnish European, 0.002%; no homozygotes.

Submissions (9):

Natera, Inc.
Classification: Pathogenic for Bardet-Biedl syndrome type 2. Last evaluated: 2026-01-05. Review status: criteria provided, single submitter. Criteria: Natera Variant Classification Schema (03/2026). Collection method: clinical testing. Allele origin: germline.
Comment: The c.1780C>T variant in BBS2 is a nonsense variant predicted to introduce a stop codon at amino acid 594. This variant is expected to result in nonsense mediated decay, truncation, or a dysfunctional protein product. This variant is rare in the general population with a frequency below the threshold expected for the associated phenotype(s). This variant has been observed in one or more individuals affected with the associated recessive disease, as either homozygous or compound heterozygous with a second variant (PMID: 27032803). Given the available evidence, this variant is classified as Pathogenic.

3billion
Classification: Pathogenic for Bardet-Biedl syndrome 2. Last evaluated: 2025-07-30. Review status: criteria provided, single submitter. Criteria: ACMG Guidelines, 2015. Collection method: clinical testing. Allele origin: germline. Affected: yes.
Comment: The variant is observed at an extremely low frequency in the gnomAD v4.1.0 dataset (total allele frequency: 0.002%). Predicted Consequence/Location: Stop-gained (nonsense): predicted to result in a loss or disruption of normal protein function through nonsense-mediated decay (NMD) or protein truncation. Multiple pathogenic variants are reported downstream of the variant. The variant has been reported at least twice as pathogenic with clinical assertions and evidence for the classification (ClinVar ID: VCV000550489 /PMID: 27032803). Therefore, this variant is classified as Pathogenic according to the recommendation of ACMG/AMP guideline.

Labcorp Genetics (formerly Invitae), Labcorp
Classification: Pathogenic for Bardet-Biedl syndrome. Last evaluated: 2023-12-02. Review status: criteria provided, single submitter. Criteria: Invitae Variant Classification Sherloc (09022015). Collection method: clinical testing. Allele origin: germline.
Comment: This sequence change creates a premature translational stop signal (p.Arg594*) in the BBS2 gene. It is expected to result in an absent or disrupted protein product. Loss-of-function variants in BBS2 are known to be pathogenic (PMID: 11285252, 20177705, 24608809, 26518167). This variant is present in population databases (rs762047808, gnomAD 0.002%). This premature translational stop signal has been observed in individual(s) with Bardet-Biedl syndrome (PMID: 27032803). ClinVar contains an entry for this variant (Variation ID: 550489). For these reasons, this variant has been classified as Pathogenic.

Baylor Genetics
Classification: Pathogenic for Bardet-Biedl syndrome 2. Last evaluated: 2023-03-21. Review status: criteria provided, single submitter. Criteria: ACMG Guidelines, 2015. Collection method: clinical testing. Allele origin: unknown.

Eurofins-Biomnis
Classification: Pathogenic for Bardet-Biedl syndrome 2. Last evaluated: 2022-11-24. Review status: criteria provided, single submitter. Criteria: Accession Criteria ClinVar Biomnis. Collection method: clinical testing. Allele origin: biparental. Affected: yes. Observed: 1 homozygote.

Fulgent Genetics
Classification: Pathogenic for Bardet-Biedl syndrome 2; Retinitis pigmentosa 74. Last evaluated: 2021-12-16. Review status: criteria provided, single submitter. Criteria: ACMG Guidelines, 2015. Collection method: clinical testing. Allele origin: unknown.

Genetics laboratory, Institute of Kidney Diseases & Research Centre Dr. H.L. Trivedi Institute Of Transplantation Sciences
Classification: Pathogenic for Bardet-Biedl syndrome 2. Last evaluated: 2024-07-16. Review status: no assertion criteria provided. Collection method: clinical testing. Allele origin: paternal. Inheritance: Autosomal recessive inheritance. Affected: yes. Observed: 1 variant allele, 1 compound heterozygote. Not counted in ClinVar's aggregate classification.
Comment: A compound heterozygous missense variant c.1780C>T in BBS2 (chr16:56531672; Depth:182x) gene was detected. This sequence change creates a premature translational stop signal (p.Arg594*) in the BBS2 gene. It is expected to result in an absent or disrupted protein product. Loss-of-function variants in BBS2 are known to be pathogenic. This variant is present in population databases (rs762047808, gnomAD 0.002%). This premature translational stop signal has been observed in individual(s) with Bardet-Biedl syndrome. ClinVar contains an entry for this variant (Variation ID: 550489). Based on the aforementioned evidence, the variant is classified as a pathogenic according to the ACMG AMP classification system.

PreventionGenetics, part of Exact Sciences
Classification: Pathogenic for BBS2-related condition. Last evaluated: 2024-03-22. Review status: no assertion criteria provided. Collection method: clinical testing. Allele origin: germline. Not counted in ClinVar's aggregate classification.
Comment: The BBS2 c.1780C>T variant is predicted to result in premature protein termination (p.Arg594*). This variant was reported in the compound heterozygous state in an individual with Bardet-Biedl syndrome (Bravo-Gil et al 2016. PubMed ID: 27032803). This variant is reported in 0.0023% of alleles in individuals of European (Non-Finnish) descent in gnomAD. Nonsense variants in BBS2 are expected to be pathogenic. This variant is interpreted as pathogenic.

Counsyl
Classification: Likely pathogenic for Bardet-Biedl syndrome 2. Last evaluated: 2017-01-26. Review status: no assertion criteria provided. Collection method: clinical testing. Allele origin: unknown. Not counted in ClinVar's aggregate classification.

Literature cited by the submitters: PubMed 27032803 (cited by 4 submitters); PubMed 11285252 (cited by Labcorp Genetics (formerly Invitae), Labcorp); PubMed 20177705 (cited by Labcorp Genetics (formerly Invitae), Labcorp); PubMed 24608809 (cited by Labcorp Genetics (formerly Invitae), Labcorp); PubMed 26518167 (cited by Labcorp Genetics (formerly Invitae), Labcorp).